The following is an entry in ClinVar:

NM_030948.6(PHACTR1):c.251-39363A>G

Gene: PHACTR1 (phosphatase and actin regulator 1; plus strand). Cytogenetic location: 6p24.1.
Variant type: single nucleotide variant.
Coding change: c.251-39363A>G on transcript NM_030948.6 (MANE Select); 39363 bases into the intron before coding-DNA position 251, A replaced by G.
Molecular consequence: intron variant. On other transcripts: missense variant (1).
Genome position (GRCh38, 1-based): chr6:13,014,002, A>G. VCF-style: chr6-13014002-A-G. GRCh37 (hg19) VCF-style: chr6-13014234-A-G.
Other names: c.116A>G, p.Tyr39Cys (NM_001322314.4); c.251-39363A>G (NM_001242648.4, NM_001374581.2, NM_001322308.3 and 3 more transcripts); c.-26-39363A>G (NM_001322313.2, NM_001322312.3, NM_001322311.2 and 1 more transcripts); short protein forms Y39C.
Identifiers: ClinVar variation 5037384 (VCV005037384.1).

ClinVar aggregate classification (germline): Uncertain significance (1 of 4 stars; one submission).

Submission:

GeneDx
Classification: Uncertain significance. Last evaluated: 2026-04-17. Review status: criteria provided, single submitter. Criteria: GeneDx Variant Classification Process June 2021. Collection method: clinical testing. Allele origin: germline.
Comment: Has not been previously published as pathogenic or benign to our knowledge; No data available from control populations to assess the frequency of this variant; Reported using an alternate transcript of the gene; In silico analysis does not support a benign or deleterious effect of this variant on protein structure/function